The following is an entry in ClinVar:

NM_024422.6(DSC2):c.1343G>A (p.Ser448Asn)

Gene: DSC2 (desmocollin 2; minus strand). Cytogenetic location: 18q12.1.
Variant type: single nucleotide variant.
Coding change: c.1343G>A on transcript NM_024422.6 (MANE Select); coding-DNA position 1343, G replaced by A.
Protein change: p.Ser448Asn; replaces serine 448 with asparagine.
Molecular consequence: missense variant.
Genome position (GRCh38, 1-based): chr18:31,080,273, C>T on the plus strand (G>A on the coding strand, the complement: DSC2 is on the minus strand). VCF-style: chr18-31080273-C-T. GRCh37 (hg19) VCF-style: chr18-28660239-C-T.
Other names: c.1343G>A, p.Ser448Asn (NM_004949.5); short protein forms S448N.
Identifiers: ClinVar variation 628534 (VCV000628534.7), dbSNP rs778959850, ClinGen allele CA031039.
Genomic context (GRCh38, chr18:31,080,273, plus strand): 5'-CCCTCATCCTGATCTTCTACATTAACAGTAACTGTTGCTGTGCTCATGGCTGATCTTGGA[C>T]TAGCCTCTCTGGAAAATGGAGCTTCATTAACTACACCAATTTGCAAGATCATCTGTTGCT-3'
Protein context (NP_077740.1, residues 438-458): VNEAPFSREA[Ser448Asn]PRSAMSTATV

ClinVar aggregate classification (germline): Uncertain significance. Review status: criteria provided, multiple submitters, no conflicts (2 of 4 stars). 2 submissions from 2 submitters: Uncertain significance (2). Last evaluated 2023-05-05.

Conditions:
Cardiomyopathy (CMYO). Also called: Cardiomyopathies. Identifiers: Orphanet 167848, MedGen C0878544, MONDO:0004994, HP:0001638. Inheritance: Various modes of inheritance.
Arrhythmogenic right ventricular dysplasia 11. Also called: Arrhythmogenic right ventricular dysplasia 11 with mild palmoplantar keratoderma and woolly hair; Arrhythmogenic Right Ventricular Dysplasia/Cardiomyopathy11; ARRHYTHMOGENIC RIGHT VENTRICULAR DYSPLASIA, FAMILIAL, 11. Identifiers: MedGen C1864850, MONDO:0012506, OMIM 610476.

Allele frequency attached by ClinVar (database versions not stated): ExAC 0.00011.

Submissions (2):

Labcorp Genetics (formerly Invitae), Labcorp
Classification: Uncertain significance for Arrhythmogenic right ventricular dysplasia 11. Last evaluated: 2023-05-05. Review status: criteria provided, single submitter. Criteria: Invitae Variant Classification Sherloc (09022015). Collection method: clinical testing. Allele origin: germline.
Comment: Advanced modeling of protein sequence and biophysical properties (such as structural, functional, and spatial information, amino acid conservation, physicochemical variation, residue mobility, and thermodynamic stability) performed at Invitae indicates that this missense variant is not expected to disrupt DSC2 protein function. This sequence change replaces serine, which is neutral and polar, with asparagine, which is neutral and polar, at codon 448 of the DSC2 protein (p.Ser448Asn). The frequency data for this variant in the population databases is considered unreliable, as metrics indicate poor data quality at this position in the gnomAD database. This variant has not been reported in the literature in individuals affected with DSC2-related conditions. ClinVar contains an entry for this variant (Variation ID: 628534). In summary, the available evidence is currently insufficient to determine the role of this variant in disease. Therefore, it has been classified as a Variant of Uncertain Significance.

Color Diagnostics, LLC DBA Color Health
Classification: Uncertain significance for Cardiomyopathy. Last evaluated: 2019-04-09. Review status: criteria provided, single submitter. Criteria: ACMG Guidelines, 2015. Collection method: clinical testing. Allele origin: germline.
Comment: This missense variant replaces serine with asparagine at codon 448 of the DSC2 protein. Computational prediction tools and conservation analyses suggest that this variant may not impact the protein function. Computational splicing tools suggest that this variant may not impact RNA splicing. To our knowledge, functional assays have not been performed for this variant nor has this variant been reported in individuals affected with cardiovascular disorders in the literature. This variant has not been identified in the general population by the Genome Aggregation Database (gnomAD). Available evidence is insufficient to determine the role of this variant in disease conclusively. Therefore, this variant is classified as a Variant of Uncertain Significance.